The following is an entry in ClinVar:

NM_000477.7(ALB):c.1290-6T>C

Gene: ALB (albumin; plus strand). Cytogenetic location: 4q13.3.
Variant type: single nucleotide variant.
Coding change: c.1290-6T>C on transcript NM_000477.7 (MANE Select); 6 bases into the intron before coding-DNA position 1290, T replaced by C.
Molecular consequence: intron variant.
Genome position (GRCh38, 1-based): chr4:73,417,525, T>C. VCF-style: chr4-73417525-T-C. GRCh37 (hg19) VCF-style: chr4-74283242-T-C.
Identifiers: ClinVar variation 349630 (VCV000349630.17), dbSNP rs57705126, ClinGen allele CA2959625.

ClinVar aggregate classification (germline): Benign/Likely benign. Review status: criteria provided, multiple submitters, no conflicts (2 of 4 stars). 5 submissions from 5 submitters: Benign (3); Likely benign (2). Last evaluated 2026-03-01.

Conditions:
Hyperthyroxinemia, familial dysalbuminemic (FDAH). Also called: EUTHYROID HYPERTHYROXINEMIA 1. Identifiers: MedGen C0342185, MONDO:0014448, OMIM 615999.

Allele frequency attached by ClinVar (database versions not stated): gnomAD exomes 0.00045 and 0.00083; ExAC 0.00085; 1000 Genomes Project 30x 0.00109; 1000 Genomes Project 0.00140; ESP Exome Variant Server 0.00154; gnomAD 0.00217 and 0.00234; TOPMed 0.00244.
gnomAD v4.1: 1,023 of 1,614,072 alleles (0.063%); highest among the groups gnomAD compares: African/African-American, 0.56%; 3 homozygotes.

Submissions (5):

CeGaT Center for Human Genetics Tuebingen
Classification: Likely benign. Last evaluated: 2026-03-01. Review status: criteria provided, single submitter. Criteria: CeGaT Center For Human Genetics Tuebingen Variant Classification Criteria Version 2. Collection method: clinical testing. Allele origin: germline. Affected: yes. Observed: 1 variant allele.
Comment: ALB: BP4

Labcorp Genetics (formerly Invitae), Labcorp
Classification: Benign. Last evaluated: 2025-07-24. Review status: criteria provided, single submitter. Criteria: Invitae Variant Classification Sherloc (09022015). Collection method: clinical testing. Allele origin: germline.

Blueprint Genetics
Classification: Likely benign. Last evaluated: 2024-10-15. Review status: criteria provided, single submitter. Criteria: ACMG Guidelines, 2015. Collection method: clinical testing. Allele origin: germline.

Illumina Laboratory Services, Illumina
Classification: Benign for Hyperthyroxinemia, familial dysalbuminemic. Last evaluated: 2018-01-12. Review status: criteria provided, single submitter. Criteria: ICSL Variant Classification Criteria 13 December 2019. Collection method: clinical testing. Allele origin: germline.
Comment: This variant was observed in the ICSL laboratory as part of a predisposition screen in an ostensibly healthy population. It had not been previously curated by ICSL or reported in the Human Gene Mutation Database (HGMD: prior to June 1st, 2018), and was therefore a candidate for classification through an automated scoring system. Utilizing variant allele frequency, disease prevalence and penetrance estimates, and inheritance mode, an automated score was calculated to assess if this variant is too frequent to cause the disease. Based on the score and internal cut-off values, a variant classified as benign is not then subjected to further curation. The score for this variant resulted in a classification of benign for this disease.

Breakthrough Genomics
Classification: Benign. Review status: criteria provided, single submitter. Criteria: ACMG Guidelines, 2015. Collection method: not provided. Allele origin: germline. Inheritance: Autosomal recessive inheritance. Affected: yes.